The following is an entry in ClinVar:

ClinVar aggregate classification (germline): Uncertain significance (1 of 4 stars; one submission).

Submission:

GeneDx
Classification: Uncertain significance. Last evaluated: 2025-01-16. Review status: criteria provided, single submitter. Criteria: GeneDx Variant Classification Process June 2021. Collection method: clinical testing. Allele origin: germline. Affected: yes.
Comment: Not observed at significant frequency in large population cohorts (gnomAD); In silico analysis supports that this missense variant has a deleterious effect on protein structure/function; Has not been previously published as pathogenic or benign to our knowledge

NM_004408.4(DNM1):c.1997T>C (p.Val666Ala)

Gene: DNM1 (dynamin 1; plus strand). Cytogenetic location: 9q34.11.
Variant type: single nucleotide variant.
Coding change: c.1997T>C on transcript NM_004408.4 (MANE Select); coding-DNA position 1997, T replaced by C.
Protein change: p.Val666Ala; replaces valine 666 with alanine.
Molecular consequence: missense variant.
Genome position (GRCh38, 1-based): chr9:128,248,674, T>C. VCF-style: chr9-128248674-T-C. GRCh37 (hg19) VCF-style: chr9-131010953-T-C.
Other names: c.1997T>C, p.Val666Ala (NM_001005336.3, NM_001288737.2, NM_001288738.2 and 2 more transcripts); short protein forms V666A.
Identifiers: ClinVar variation 4070840 (VCV004070840.1).